The following is an entry in ClinVar:

ClinVar aggregate classification (germline): Conflicting classifications of pathogenicity. Review status: criteria provided, conflicting classifications (1 of 4 stars). 2 submissions from 2 submitters: Likely pathogenic (1); Uncertain significance (1). Last evaluated 2021-03-10.

Conditions:
Pelizaeus-Merzbacher disease. Also called: Pelizaeus-Merzbacher spectrum disorder; Pelizaeus-Merzbacher Disease (PMD); Pelizeaus-Merzbacher spectrum disorder; LEUKODYSTROPHY, HYPOMYELINATING, 1; Sudanophilic leukodystrophy. Identifiers: Orphanet 702, MedGen C0205711, MONDO:0010714, OMIM 312080, HP:0003269.
Hereditary spastic paraplegia 2 (SPG2). Also called: Spastic Paraplegia 2 (SPG2); SPASTIC PARAPLEGIA 2, X-LINKED. Identifiers: Orphanet 99015, MedGen C0751604, MONDO:0010733, OMIM 312920.

Submissions (2):

Molecular Diagnostics Lab, Nemours Children's Health, Delaware
Classification: Likely pathogenic for Pelizaeus-Merzbacher disease. Last evaluated: 2021-03-10. Review status: criteria provided, single submitter. Criteria: ACMG Guidelines, 2015. Collection method: clinical testing. Allele origin: maternal, unknown. Inheritance: X-linked inheritance. Affected: yes and no. Observed: 1 heterozygote, 2 hemizygotes. Clinical features observed: Nystagmus (HP:0000639), Hypotonia (HP:0001252), Ataxia (HP:0001253).
Comment: This variant (c.238_240del, p.Phe80del) is an in-frame, single amino acid deletion that has not been observed in population databases (gnomAD). It has been found in 2 affected males within a family. It has been described in the literature (PMID 19328639) in a patient with nystagmus, hypomyelination on MRI, and abnormal auditory brain response findings. No functional studies have been published.

Labcorp Genetics (formerly Invitae), Labcorp
Classification: Uncertain significance for Hereditary spastic paraplegia 2. Last evaluated: 2018-04-05. Review status: criteria provided, single submitter. Criteria: Invitae Variant Classification Sherloc (09022015). Collection method: clinical testing. Allele origin: germline.
Comment: This variant has been reported in an individual affected with Pelizaeus–Merzbacher disease and has been reported to be de novo in an individual affected with leukodystrophy and complex hereditary spastic paraplegia disease (PMID: 23347225). This variant has also been referred to as p.Phe79del in the literature. This variant is not present in population databases (ExAC no frequency). This variant, c.238_240delTTC, results in the deletion of 1 amino acid(s) of the PLP1 protein (p.Phe80del), but otherwise preserves the integrity of the reading frame. Experimental studies and prediction algorithms are not available for this variant, and the functional significance of the deleted amino acid is currently unknown. In summary, the available evidence is currently insufficient to determine the role of this variant in disease. Therefore, it has been classified as a Variant of Uncertain Significance.

Literature cited by the submitters: PubMed 19328639 (cited by Molecular Diagnostics Lab, Nemours Children's Health, Delaware); PubMed 23347225 (cited by Labcorp Genetics (formerly Invitae), Labcorp).

NM_000533.5(PLP1):c.232TTC[2] (p.Phe80del)

Genes: PLP1 (proteolipid protein 1; plus strand), RAB9B (RAB9B, member RAS oncogene family; minus strand). Cytogenetic location: Xq22.2.
Variant type: Microsatellite.
Coding change: c.232TTC[2] on transcript NM_000533.5 (MANE Select); two copies in a row of the 3-base unit TTC starting at c.232; the reference has three copies in a row; one copy, 3 bases deleted.
Protein change: p.Phe80del; deletes phenylalanine 80.
Molecular consequence: inframe deletion.
Genome position (GRCh38, 1-based): chrX:103,786,511-103,786,513, TTC deleted; deleting any 3 consecutive bases within chrX:103,786,505-103,786,513 gives the same sequence; the position shown is the placement nearest the transcript's 3' end. VCF-style (leftmost placement, unchanged base first): chrX-103786504-TTTC-T. GRCh37 (hg19) VCF-style: chrX-103041433-TTTC-T.
Other names: c.232TTC[2], p.Phe80del (NM_001128834.3, NM_199478.3); c.67TTC[2], p.Phe25del (NM_001305004.1); c.238_240delTTC (NM_000533.5); short protein forms F25del, F80del.
Identifiers: ClinVar variation 1023623 (VCV001023623.10), dbSNP rs2074497991, ClinGen allele CA2449053037.